The following is an entry in ClinVar:

NM_020458.4(TTC7A):c.2131G>T (p.Glu711Ter)

Gene: TTC7A (tetratricopeptide repeat domain 7A; plus strand). Cytogenetic location: 2p21.
Variant type: single nucleotide variant.
Coding change: c.2131G>T on transcript NM_020458.4 (MANE Select); coding-DNA position 2131, G replaced by T.
Protein change: p.Glu711Ter; replaces glutamic acid 711 with a stop codon.
Molecular consequence: nonsense.
Genome position (GRCh38, 1-based): chr2:47,051,859, G>T. VCF-style: chr2-47051859-G-T. GRCh37 (hg19) VCF-style: chr2-47278998-G-T.
Other names: c.2203G>T, p.Glu735Ter (NM_001288951.2); c.2029G>T, p.Glu677Ter (NM_001288953.2); c.1069G>T, p.Glu357Ter (NM_001288955.2); short protein forms E735*, E357*, E677*, E711*.
Identifiers: ClinVar variation 5006299 (VCV005006299.2).
Genomic context (GRCh38, chr2:47,051,859, plus strand): 5'-GAGCTGACTATGCCCTCTTCGGTCCTGAAGCAGGGCCCCATGCAGCTGTGGACCACGCTG[G>T]AACAGATCTGGCTGCAGGCTGGTGAGTGCCCTGGTCCCAGTGACACACACAGCCTGTCTG-3'

ClinVar aggregate classification (germline): Likely pathogenic (1 of 4 stars; one submission).

Conditions:
Gastrointestinal defects and immunodeficiency syndrome 1 (GIDID1). Also called: Combined immunodeficiency-enteropathy spectrum. Identifiers: Orphanet 436252, MedGen C5968858, MONDO:0800030, OMIM 243150.

Submission:

Juno Genomics, Hangzhou Juno Genomics, Inc
Classification: Likely pathogenic for Gastrointestinal defects and immunodeficiency syndrome 1. Review status: criteria provided, single submitter. Criteria: ACMG Guidelines, 2015. Collection method: clinical testing. Allele origin: germline.
Comment: Null variant in a gene where loss of function (LOF) is a known mechanism of disease.;Absent from controls (or at extremely low frequency if recessive) in Genome Aggregation Database.